The following is an entry in ClinVar:

NM_138477.4(CDAN1):c.558C>G (p.Pro186=)

Gene: CDAN1 (codanin 1; minus strand). Cytogenetic location: 15q15.2.
Variant type: single nucleotide variant.
Coding change: c.558C>G on transcript NM_138477.4 (MANE Select); coding-DNA position 558, C replaced by G.
Protein change: p.Pro186=; no amino-acid change (proline 186 retained).
Molecular consequence: synonymous variant.
Genome position (GRCh38, 1-based): chr15:42,736,313, G>C on the plus strand (C>G on the coding strand, the complement: CDAN1 is on the minus strand). VCF-style: chr15-42736313-G-C. GRCh37 (hg19) VCF-style: chr15-43028511-G-C.
Other names: p.Pro186=; c.558C>G, p.Pro186= (LRG_1164t1).
Identifiers: ClinVar variation 262379 (VCV000262379.30), dbSNP rs12594325, ClinGen allele CA7516378.

ClinVar aggregate classification (germline): Benign/Likely benign. Review status: criteria provided, multiple submitters, no conflicts (2 of 4 stars). 8 submissions from 8 submitters: Benign (7); Likely benign (1). Last evaluated 2026-02-03.

Conditions:
Congenital dyserythropoietic anemia, type I. Also called: Dyserythropoietic anemia, congenital type 1. Identifiers: Orphanet 98869, MedGen C0271933, MONDO:0020337. Disease mechanism: loss of function.
Anemia, congenital dyserythropoietic, type 1a (CDAN1A). Also called: CDAN1-Related Congenital Dyserythropoietic Anemia; DYSERYTHROPOIETIC ANEMIA, CONGENITAL, TYPE Ia. Identifiers: MedGen C5574667, MONDO:0009135, OMIM 224120.

Allele frequency attached by ClinVar (database versions not stated): gnomAD exomes 0.02458; ExAC 0.02818; ESP Exome Variant Server 0.05224; gnomAD 0.05718 and 0.05980; TOPMed 0.06322; 1000 Genomes Project 0.07428; 1000 Genomes Project 30x 0.07433.

Submissions (8):

Labcorp Genetics (formerly Invitae), Labcorp
Classification: Benign. Last evaluated: 2026-02-03. Review status: criteria provided, single submitter. Criteria: Invitae Variant Classification Sherloc (09022015). Collection method: clinical testing. Allele origin: germline.

ARUP Laboratories, Molecular Genetics and Genomics, ARUP Laboratories
Classification: Benign for Anemia, congenital dyserythropoietic, type 1a. Last evaluated: 2025-07-28. Review status: criteria provided, single submitter. Criteria: ARUP Molecular Germline Variant Investigation Process 2024. Collection method: clinical testing. Allele origin: germline.

Blueprint Genetics
Classification: Likely benign. Last evaluated: 2024-11-27. Review status: criteria provided, single submitter. Criteria: ACMG Guidelines, 2015. Collection method: clinical testing. Allele origin: germline.

GeneDx
Classification: Benign. Last evaluated: 2021-05-04. Review status: criteria provided, single submitter. Criteria: GeneDx Variant Classification Process June 2021. Collection method: clinical testing. Allele origin: germline. Affected: yes.

Illumina Laboratory Services, Illumina
Classification: Benign for Anemia, congenital dyserythropoietic, type 1a. Last evaluated: 2018-01-13. Review status: criteria provided, single submitter. Criteria: ICSL Variant Classification Criteria 13 December 2019. Collection method: clinical testing. Allele origin: germline.
Comment: This variant was observed in the ICSL laboratory as part of a predisposition screen in an ostensibly healthy population. It had not been previously curated by ICSL or reported in the Human Gene Mutation Database (HGMD: prior to June 1st, 2018), and was therefore a candidate for classification through an automated scoring system. Utilizing variant allele frequency, disease prevalence and penetrance estimates, and inheritance mode, an automated score was calculated to assess if this variant is too frequent to cause the disease. Based on the score and internal cut-off values, a variant classified as benign is not then subjected to further curation. The score for this variant resulted in a classification of benign for this disease.

Mayo Clinic Laboratories, Mayo Clinic
Classification: Benign. Last evaluated: 2016-08-24. Review status: criteria provided, single submitter. Criteria: ACMG Guidelines, 2015. Collection method: clinical testing. Allele origin: germline. Observed: 163 variant alleles.

Breakthrough Genomics
Classification: Benign. Review status: criteria provided, single submitter. Criteria: ACMG Guidelines, 2015. Collection method: not provided. Allele origin: germline. Inheritance: Autosomal recessive inheritance. Affected: yes.

PreventionGenetics, part of Exact Sciences
Classification: Benign. Review status: criteria provided, single submitter. Criteria: ACMG Guidelines, 2015. Collection method: clinical testing. Allele origin: germline.